The following is an entry in ClinVar:

NM_000038.6(APC):c.5790A>G (p.Gln1930=)

Gene: APC (APC regulator of Wnt signaling pathway; plus strand). Cytogenetic location: 5q22.2.
Variant type: single nucleotide variant.
Coding change: c.5790A>G on transcript NM_000038.6 (MANE Select); coding-DNA position 5790, A replaced by G.
Protein change: p.Gln1930=; no amino-acid change (glutamine 1930 retained).
Molecular consequence: synonymous variant.
Genome position (GRCh38, 1-based): chr5:112,841,384, A>G. VCF-style: chr5-112841384-A-G. GRCh37 (hg19) VCF-style: chr5-112177081-A-G.
Other names: c.5790A>G, p.Gln1930= (NM_001127510.3, NM_001354895.2); c.5736A>G, p.Gln1912= (NM_001127511.3); c.5844A>G, p.Gln1948= (NM_001354896.2); c.5820A>G, p.Gln1940= (NM_001354897.2); c.5715A>G, p.Gln1905= (NM_001354898.2); c.5706A>G, p.Gln1902= (NM_001354899.2); c.5667A>G, p.Gln1889= (NM_001354900.2); c.5613A>G, p.Gln1871= (NM_001354901.2); and 5 more.
Identifiers: ClinVar variation 184255 (VCV000184255.55), dbSNP rs141152252, ClinGen allele CA010695.

ClinVar aggregate classification (germline): Benign/Likely benign. Review status: criteria provided, multiple submitters, no conflicts (2 of 4 stars). 14 submissions from 14 submitters: Benign (10); Likely benign (4). Last evaluated 2026-02-03.

Conditions:
APC-Associated Polyposis Disorders.
Hereditary cancer-predisposing syndrome. Also called: Tumor predisposition; Neoplastic Syndromes, Hereditary; Hereditary Cancer Syndrome; Hereditary neoplastic syndrome. Identifiers: Orphanet 140162, MedGen C0027672, MeSH D009386, MONDO:0015356.
Familial adenomatous polyposis 1 (FAP1). Also called: POLYPOSIS, ADENOMATOUS INTESTINAL; FAMILIAL ADENOMATOUS POLYPOSIS 1, ATTENUATED. Identifiers: MedGen C2713442, MONDO:0021056, OMIM 175100. Disease mechanism: loss of function.

Allele frequency attached by ClinVar (database versions not stated): gnomAD exomes 0.00008 and 0.00016; ExAC 0.00025; 1000 Genomes Project 30x 0.00047; TOPMed 0.00092; ESP Exome Variant Server 0.00054; 1000 Genomes Project 0.00060; gnomAD 0.00087 and 0.00097.
gnomAD v4.1: 272 of 1,613,722 alleles (0.017%); highest among the groups gnomAD compares: African/African-American, 0.29%; no homozygotes.

Submissions (14):

Labcorp Genetics (formerly Invitae), Labcorp
Classification: Benign for Familial adenomatous polyposis 1. Last evaluated: 2026-02-03. Review status: criteria provided, single submitter. Criteria: Invitae Variant Classification Sherloc (09022015). Collection method: clinical testing. Allele origin: germline.

Myriad Genetics, Inc.
Classification: Benign for Familial adenomatous polyposis 1. Last evaluated: 2024-04-02. Review status: criteria provided, single submitter. Criteria: Myriad Autosomal Dominant, Autosomal Recessive and X-Linked Classification Criteria (2023). Collection method: clinical testing. Allele origin: unknown.
Comment: This variant is considered benign. This variant is a silent/synonymous amino acid change and it is not expected to impact splicing.

Blueprint Genetics
Classification: Likely benign. Last evaluated: 2023-12-05. Review status: criteria provided, single submitter. Criteria: ACMG Guidelines, 2015. Collection method: clinical testing. Allele origin: germline.

KCCC/NGS Laboratory, Kuwait Cancer Control Center
Classification: Benign for Familial adenomatous polyposis 1. Last evaluated: 2023-07-07. Review status: criteria provided, single submitter. Criteria: ACMG Guidelines, 2015. Collection method: clinical testing. Allele origin: germline. Affected: yes.

Quest Diagnostics Nichols Institute San Juan Capistrano
Classification: Benign. Last evaluated: 2023-05-17. Review status: criteria provided, single submitter. Criteria: Quest Diagnostics criteria. Collection method: clinical testing. Allele origin: unknown.

ARUP Laboratories, Molecular Genetics and Genomics, ARUP Laboratories
Classification: Benign. Last evaluated: 2022-11-28. Review status: criteria provided, single submitter. Criteria: ARUP Molecular Germline Variant Investigation Process 2021. Collection method: clinical testing. Allele origin: germline.

CeGaT Center for Human Genetics Tuebingen
Classification: Likely benign. Last evaluated: 2022-11-01. Review status: criteria provided, single submitter. Criteria: CeGaT Center For Human Genetics Tuebingen Variant Classification Criteria Version 2. Collection method: clinical testing. Allele origin: germline. Affected: yes. Observed: 1 variant allele.
Comment: APC: BP4, BP7, BS1

Sema4
Classification: Benign for Hereditary cancer-predisposing syndrome. Last evaluated: 2020-10-30. Review status: criteria provided, single submitter. Criteria: Sema4 Curation Guidelines. Collection method: curation. Allele origin: germline.

Illumina Laboratory Services, Illumina
Classification: Benign for APC-Associated Polyposis Disorders. Last evaluated: 2018-01-12. Review status: criteria provided, single submitter. Criteria: ICSL Variant Classification Criteria 13 December 2019. Collection method: clinical testing. Allele origin: germline.
Comment: This variant was observed in the ICSL laboratory as part of a predisposition screen in an ostensibly healthy population. It had not been previously curated by ICSL or reported in the Human Gene Mutation Database (HGMD: prior to June 1st, 2018), and was therefore a candidate for classification through an automated scoring system. Utilizing variant allele frequency, disease prevalence and penetrance estimates, and inheritance mode, an automated score was calculated to assess if this variant is too frequent to cause the disease. Based on the score and internal cut-off values, a variant classified as benign is not then subjected to further curation. The score for this variant resulted in a classification of benign for this disease.

PreventionGenetics, part of Exact Sciences
Classification: Likely benign. Last evaluated: 2017-12-06. Review status: criteria provided, single submitter. Criteria: ACMG Guidelines, 2015. Collection method: clinical testing. Allele origin: germline.

Color Diagnostics, LLC DBA Color Health
Classification: Benign for Hereditary cancer-predisposing syndrome. Last evaluated: 2016-05-26. Review status: criteria provided, single submitter. Criteria: ACMG Guidelines, 2015. Collection method: clinical testing. Allele origin: germline.

Women's Health and Genetics/Laboratory Corporation of America, LabCorp
Classification: Benign. Last evaluated: 2016-03-25. Review status: criteria provided, single submitter. Criteria: LabCorp Variant Classification Summary - May 2015. Collection method: clinical testing. Allele origin: germline.
Comment: Variant summary: c.5790A>G affects a non-conserved nucleotide, resulting in a synonymous change. Mutation taster predicts benign outcome. 3/5 in silico programs via Alamut predict no significant change on RNA splicing sites. ESEfinder predicts a gain of binding motif for RNA splicing enhancer SC35. This variant was found in 30/120712 control chromosomes at a frequency of 0.0002485, which is more than 3 times of maximal expected frequency of a pathogenic allele (0.0000602), suggesting this variant is benign. In addition, multiple clinical laboratories classified this variant as benign/likely benign. Taken together, this variant was classified as Benign.

GeneDx
Classification: Benign. Last evaluated: 2015-05-14. Review status: criteria provided, single submitter. Criteria: GeneDx Variant Classification (06012015). Collection method: clinical testing. Allele origin: germline. Affected: yes.
Comment: This variant is considered likely benign or benign based on one or more of the following criteria: it is a conservative change, it occurs at a poorly conserved position in the protein, it is predicted to be benign by multiple in silico algorithms, and/or has population frequency not consistent with disease.

Ambry Genetics
Classification: Likely benign for Hereditary cancer-predisposing syndrome. Last evaluated: 2015-01-13. Review status: criteria provided, single submitter. Criteria: Ambry Variant Classification Scheme 2023. Collection method: clinical testing. Allele origin: germline.